The following is an entry in ClinVar:

ClinVar aggregate classification (germline): Uncertain significance (1 of 4 stars; one submission).

Submission:

Labcorp Genetics (formerly Invitae), Labcorp
Classification: Uncertain significance. Last evaluated: 2023-04-30. Review status: criteria provided, single submitter. Criteria: Invitae Variant Classification Sherloc (09022015). Collection method: clinical testing. Allele origin: germline.
Comment: In summary, the available evidence is currently insufficient to determine the role of this variant in disease. Therefore, it has been classified as a Variant of Uncertain Significance. Advanced modeling of protein sequence and biophysical properties (such as structural, functional, and spatial information, amino acid conservation, physicochemical variation, residue mobility, and thermodynamic stability) performed at Invitae indicates that this missense variant is expected to disrupt MATN3 protein function. This variant has not been reported in the literature in individuals affected with MATN3-related conditions. This variant is not present in population databases (gnomAD no frequency). This sequence change replaces isoleucine, which is neutral and non-polar, with asparagine, which is neutral and polar, at codon 87 of the MATN3 protein (p.Ile87Asn).

NM_002381.5(MATN3):c.260T>A (p.Ile87Asn)

Gene: MATN3 (matrilin 3; minus strand). Cytogenetic location: 2p24.1.
Variant type: single nucleotide variant.
Coding change: c.260T>A on transcript NM_002381.5 (MANE Select); coding-DNA position 260, T replaced by A.
Protein change: p.Ile87Asn; replaces isoleucine 87 with asparagine.
Molecular consequence: missense variant.
Genome position (GRCh38, 1-based): chr2:20,006,274, A>T on the plus strand (T>A on the coding strand, the complement: MATN3 is on the minus strand). VCF-style: chr2-20006274-A-T. GRCh37 (hg19) VCF-style: chr2-20206035-A-T.
Other names: short protein forms I87N.
Identifiers: ClinVar variation 2832643 (VCV002832643.3), dbSNP rs2527704032, ClinGen allele CA345951458.